The following is an entry in ClinVar:

ClinVar aggregate classification (germline): Conflicting classifications of pathogenicity. Review status: criteria provided, conflicting classifications (1 of 4 stars). 5 submissions from 5 submitters: Uncertain significance (4); Likely benign (1). Last evaluated 2026-09-17.

Conditions:
TECTA-related disorder. Also called: TECTA-related condition.
Autosomal dominant nonsyndromic hearing loss 12. Also called: DEAFNESS, AUTOSOMAL DOMINANT 8. Identifiers: Orphanet 90635, MedGen C1832187, MONDO:0011102, OMIM 601543.

Allele frequency attached by ClinVar (database versions not stated): TOPMed 0.00003; gnomAD 0.00004; ExAC 0.00010.
gnomAD v4.1: 67 of 1,614,030 alleles (0.0042%); highest among the groups gnomAD compares: East Asian, 0.045%; no homozygotes.

Submissions (5):

PreventionGenetics, part of Exact Sciences
Classification: Uncertain significance for TECTA-related condition. Last evaluated: 2026-09-17. Review status: criteria provided, single submitter. Criteria: ACMG Guidelines, 2015. Collection method: clinical testing. Allele origin: germline.
Comment: The TECTA c.1685C>T variant is predicted to result in the amino acid substitution p.Thr562Met. This variant has been reported in an individual with postlingual autosomal dominant hearing loss (Table 1, Hildebrand et al. 2011. PubMed ID: 21520338). This variant is reported in 0.025% of alleles in individuals of East Asian descent in gnomAD. However, in gnomAD v4 (available only on GRCh38), this variant is reported in 67 alleles globally, which is likely too common for a highly penetrant pathogenic variant in autosomal dominant disorder. At this time, the clinical significance of this variant is uncertain due to the absence of conclusive functional and genetic evidence.

Labcorp Genetics (formerly Invitae), Labcorp
Classification: Likely benign. Last evaluated: 2022-12-06. Review status: criteria provided, single submitter. Criteria: Invitae Variant Classification Sherloc (09022015). Collection method: clinical testing. Allele origin: germline.

GeneDx
Classification: Uncertain significance. Last evaluated: 2022-02-08. Review status: criteria provided, single submitter. Criteria: GeneDx Variant Classification Process June 2021. Collection method: clinical testing. Allele origin: germline. Affected: yes.
Comment: Reported in unrelated individuals with hearing loss in published literature (Hildebrand et al., 2011; Yasukawa et al., 2019); In silico analysis supports that this missense variant does not alter protein structure/function; This variant is associated with the following publications: (PMID: 31554319, 21520338, 9590290)

Eurofins Ntd Llc (ga)
Classification: Uncertain significance. Last evaluated: 2017-08-22. Review status: criteria provided, single submitter. Criteria: EGL Classification Definitions 2015. Collection method: clinical testing. Allele origin: germline. Observed: 2 variant alleles, 2 heterozygotes.

Soonchunhyang University Bucheon Hospital, Soonchunhyang University Medical Center
Classification: Uncertain significance for Autosomal dominant nonsyndromic hearing loss 12. Last evaluated: 2016-03-18. Review status: criteria provided, single submitter. Criteria: ACMG Guidelines, 2015. Collection method: reference population. Allele origin: germline. Observed: 1 variant allele.

Literature cited by the submitters: PubMed 21520338 (cited by Soonchunhyang University Bucheon Hospital, Soonchunhyang University Medical Center).

NM_005422.4(TECTA):c.1685C>T (p.Thr562Met)

Genes: TBCEL-TECTA (TBCEL-TECTA readthrough; plus strand), TECTA (tectorin alpha; plus strand). Cytogenetic location: 11q23.3.
Variant type: single nucleotide variant.
Coding change: c.1685C>T on transcript NM_005422.4 (MANE Select); coding-DNA position 1685, C replaced by T.
Protein change: p.Thr562Met; replaces threonine 562 with methionine.
Molecular consequence: missense variant.
Genome position (GRCh38, 1-based): chr11:121,125,783, C>T. VCF-style: chr11-121125783-C-T. GRCh37 (hg19) VCF-style: chr11-120996492-C-T.
Other names: c.2642C>T, p.Thr881Met (NM_001378761.1); short protein forms T562M, T881M.
Identifiers: ClinVar variation 225485 (VCV000225485.12), dbSNP rs779401654, ClinGen allele CA6326807.
Genomic context (GRCh38, chr11:121,125,783, plus strand): 5'-ACCCCACTGCTTTTGTGCACAGCTGCGTGTATGACCTGTGCAGTGTGAGGGACAATGGCA[C>T]GCTCCTCTGCCAAGCCATCCAGGCCTATGCTCTTGTGTGCCAAGCCCTTGGCATTCCAAT-3'
Protein context (NP_005413.2, residues 552-572): YDLCSVRDNG[Thr562Met]LLCQAIQAYA